The following is an entry in ClinVar:

ClinVar aggregate classification (germline): Uncertain significance (1 of 4 stars; one submission).

Conditions:
Paget disease of bone 2, early-onset (PDB2). Also called: Paget disease of bone 2. Identifiers: MedGen C4085251, MONDO:0011183, OMIM 602080.
Frontotemporal dementia and/or amyotrophic lateral sclerosis 1 (FTDALS1). Also called: Frontotemporal dementia with motor neuron disease 1; C9orf72 Frontotemporal Dementia and/or Amyotrophic Lateral Sclerosis. Identifiers: Orphanet 275872, MedGen C5779877, MONDO:0007105, OMIM 105550.

Allele frequency attached by ClinVar (database versions not stated): TOPMed 0.00002.

Submission:

Labcorp Genetics (formerly Invitae), Labcorp
Classification: Uncertain significance for Paget disease of bone 2, early-onset; Frontotemporal dementia and/or amyotrophic lateral sclerosis 1. Last evaluated: 2023-02-06. Review status: criteria provided, single submitter. Criteria: Invitae Variant Classification Sherloc (09022015). Collection method: clinical testing. Allele origin: germline.
Comment: This variant is not present in population databases (gnomAD no frequency). This sequence change replaces glutamic acid, which is acidic and polar, with glycine, which is neutral and non-polar, at codon 116 of the SQSTM1 protein (p.Glu116Gly). This variant has not been reported in the literature in individuals affected with SQSTM1-related conditions. ClinVar contains an entry for this variant (Variation ID: 1345368). Advanced modeling of protein sequence and biophysical properties (such as structural, functional, and spatial information, amino acid conservation, physicochemical variation, residue mobility, and thermodynamic stability) performed at Invitae indicates that this missense variant is not expected to disrupt SQSTM1 protein function. In summary, the available evidence is currently insufficient to determine the role of this variant in disease. Therefore, it has been classified as a Variant of Uncertain Significance.

NM_003900.5(SQSTM1):c.347A>G (p.Glu116Gly)

Gene: SQSTM1 (sequestosome 1; plus strand). Cytogenetic location: 5q35.3.
Variant type: single nucleotide variant.
Coding change: c.347A>G on transcript NM_003900.5 (MANE Select); coding-DNA position 347, A replaced by G.
Protein change: p.Glu116Gly; replaces glutamic acid 116 with glycine.
Molecular consequence: missense variant.
Genome position (GRCh38, 1-based): chr5:179,823,903, A>G. VCF-style: chr5-179823903-A-G. GRCh37 (hg19) VCF-style: chr5-179250903-A-G.
Other names: c.95A>G, p.Glu32Gly (NM_001142298.2, NM_001142299.2); short protein forms E32G, E116G.
Identifiers: ClinVar variation 1345368 (VCV001345368.6), dbSNP rs1757886934, ClinGen allele CA362443498.